The following is an entry in ClinVar:

NM_025144.4(ALPK1):c.74C>G (p.Ala25Gly)

Gene: ALPK1 (alpha kinase 1; plus strand). Cytogenetic location: 4q25.
Variant type: single nucleotide variant.
Coding change: c.74C>G on transcript NM_025144.4 (MANE Select); coding-DNA position 74, C replaced by G.
Protein change: p.Ala25Gly; replaces alanine 25 with glycine.
Molecular consequence: missense variant. On other transcripts: 5 prime UTR variant (1).
Genome position (GRCh38, 1-based): chr4:112,377,851, C>G. VCF-style: chr4-112377851-C-G. GRCh37 (hg19) VCF-style: chr4-113299007-C-G.
Other names: c.74C>G, p.Ala25Gly (NM_001102406.2); c.-6C>G (NM_001253884.2); c.74C>G (NM_025144.3); short protein forms A25G.
Identifiers: ClinVar variation 2997485 (VCV002997485.4), dbSNP rs369223684, ClinGen allele CA104423551.

ClinVar aggregate classification (germline): Conflicting classifications of pathogenicity. Review status: criteria provided, conflicting classifications (1 of 4 stars). 2 submissions from 2 submitters: Uncertain significance (1); Likely benign (1). Last evaluated 2025-08-11.

Conditions:
Inborn genetic diseases. Identifiers: MedGen C0950123, MeSH D030342.

Submissions (2):

Ambry Genetics
Classification: Likely benign for Inborn genetic diseases. Last evaluated: 2025-08-11. Review status: criteria provided, single submitter. Criteria: Ambry Variant Classification Scheme 2023. Collection method: clinical testing. Allele origin: germline.

Labcorp Genetics (formerly Invitae), Labcorp
Classification: Uncertain significance. Last evaluated: 2023-10-03. Review status: criteria provided, single submitter. Criteria: Invitae Variant Classification Sherloc (09022015). Collection method: clinical testing. Allele origin: germline.
Comment: This sequence change replaces alanine, which is neutral and non-polar, with glycine, which is neutral and non-polar, at codon 25 of the ALPK1 protein (p.Ala25Gly). This variant is not present in population databases (gnomAD no frequency). This variant has not been reported in the literature in individuals affected with ALPK1-related conditions. Algorithms developed to predict the effect of missense changes on protein structure and function output the following: SIFT: "Not Available"; PolyPhen-2: "Benign"; Align-GVGD: "Not Available". The glycine amino acid residue is found in multiple mammalian species, which suggests that this missense change does not adversely affect protein function. In summary, the available evidence is currently insufficient to determine the role of this variant in disease. Therefore, it has been classified as a Variant of Uncertain Significance.